The following is an entry in ClinVar:

ClinVar aggregate classification (germline): Uncertain significance. Review status: criteria provided, multiple submitters, no conflicts (2 of 4 stars). 3 submissions from 3 submitters: Uncertain significance (2). 1 of the submissions does not count toward it. Last evaluated 2022-10-03.

Conditions:
Autosomal recessive limb-girdle muscular dystrophy type 2O. Also called: MUSCULAR DYSTROPHY-DYSTROGLYCANOPATHY (LIMB-GIRDLE), TYPE C, 3; MUSCULAR DYSTROPHY-DYSTROGLYCANOPATHY, LIMB-GIRDLE, POMGNT1-RELATED; Limb-Girdle Muscular Dystrophy Type 3C. Identifiers: Orphanet 206564, MedGen C3150417, MONDO:0013161, OMIM 613157.
Muscular dystrophy-dystroglycanopathy (congenital with impaired intellectual development), type B, 3. Also called: Muscular dystrophy-dystroglycanopathy (congenital with intellectual disability), type B3; MUSCULAR DYSTROPHY, CONGENITAL, POMGNT1-RELATED. Identifiers: MedGen C3150412, MONDO:0013155, OMIM 613151.
Muscle eye brain disease (MEB). Also called: Santavuori congenital muscular dystrophy. Identifiers: Orphanet 588, Orphanet 899, MedGen C0457133, MONDO:0018939.

gnomAD v4.1: 2 of 1,613,614 alleles (0.00012%); highest among the groups gnomAD compares: Admixed American, 0.0033%; no homozygotes.

Submissions (3):

Labcorp Genetics (formerly Invitae), Labcorp
Classification: Uncertain significance for Autosomal recessive limb-girdle muscular dystrophy type 2O; Muscular dystrophy-dystroglycanopathy (congenital with impaired intellectual development), type B, 3. Last evaluated: 2022-10-03. Review status: criteria provided, single submitter. Criteria: Invitae Variant Classification Sherloc (09022015). Collection method: clinical testing. Allele origin: germline.
Comment: This sequence change replaces valine, which is neutral and non-polar, with leucine, which is neutral and non-polar, at codon 623 of the POMGNT1 protein (p.Val623Leu). This variant is not present in population databases (gnomAD no frequency). This variant has not been reported in the literature in individuals affected with POMGNT1-related conditions. Experimental studies and prediction algorithms are not available or were not evaluated, and the functional significance of this variant is currently unknown. In summary, the available evidence is currently insufficient to determine the role of this variant in disease. Therefore, it has been classified as a Variant of Uncertain Significance.

Breakthrough Genomics
Classification: Uncertain significance. Review status: criteria provided, single submitter. Criteria: ACMG Guidelines, 2015. Collection method: not provided. Allele origin: germline. Inheritance: Autosomal recessive inheritance. Affected: yes.

Natera, Inc.
Classification: Uncertain significance for Muscle-eye-brain disease. Last evaluated: 2020-07-16. Review status: no assertion criteria provided. Collection method: clinical testing. Allele origin: germline. Not counted in ClinVar's aggregate classification.

NM_017739.4(POMGNT1):c.1867A>C (p.Met623Leu)

Genes: POMGNT1 (protein O-linked mannose N-acetylglucosaminyltransferase 1 (beta 1,2-); minus strand), TSPAN1 (tetraspanin 1; plus strand). Cytogenetic location: 1p34.1.
Variant type: single nucleotide variant.
Coding change: c.1867A>C on transcript NM_017739.4 (MANE Select); coding-DNA position 1867, A replaced by C.
Protein change: p.Met623Leu; replaces methionine 623 with leucine.
Molecular consequence: missense variant.
Genome position (GRCh38, 1-based): chr1:46,189,486, T>G on the plus strand (A>C on the coding strand, the complement: POMGNT1 is on the minus strand). VCF-style: chr1-46189486-T-G. GRCh37 (hg19) VCF-style: chr1-46655158-T-G.
Other names: c.1438A>C, p.Met480Leu (NM_001290130.2); c.1867A>C, p.Met623Leu (NM_001410783.1, NM_001243766.2); c.1801A>C, p.Met601Leu (NM_001290129.3); short protein forms M623L, M480L, M601L.
Identifiers: ClinVar variation 969691 (VCV000969691.7), dbSNP rs6659553, ClinGen allele CA340170778.